The following is an entry in ClinVar:

NM_018685.5(ANLN):c.1091C>T (p.Thr364Ile)

Gene: ANLN (anillin, actin binding protein; plus strand). Cytogenetic location: 7p14.2.
Variant type: single nucleotide variant.
Coding change: c.1091C>T on transcript NM_018685.5 (MANE Select); coding-DNA position 1091, C replaced by T.
Protein change: p.Thr364Ile; replaces threonine 364 with isoleucine.
Molecular consequence: missense variant.
Genome position (GRCh38, 1-based): chr7:36,407,951, C>T. VCF-style: chr7-36407951-C-T. GRCh37 (hg19) VCF-style: chr7-36447560-C-T.
Other names: c.1091C>T, p.Thr364Ile (NM_001284301.3, NM_001284302.3); short protein forms T364I.
Identifiers: ClinVar variation 1520354 (VCV001520354.8), dbSNP rs746180775, ClinGen allele CA4219492.

ClinVar aggregate classification (germline): Uncertain significance (1 of 4 stars; one submission).

Allele frequency attached by ClinVar (database versions not stated): gnomAD exomes 0.00001 and 0.00002; TOPMed 0.00001; gnomAD 0.00002 and 0.00003; ExAC 0.00003.
gnomAD v4.1: 24 of 1,610,348 alleles (0.0015%); highest among the groups gnomAD compares: African/African-American, 0.004%; no homozygotes.

Submission:

Labcorp Genetics (formerly Invitae), Labcorp
Classification: Uncertain significance. Last evaluated: 2025-05-23. Review status: criteria provided, single submitter. Criteria: Invitae Variant Classification Sherloc (09022015). Collection method: clinical testing. Allele origin: germline.
Comment: This sequence change replaces threonine, which is neutral and polar, with isoleucine, which is neutral and non-polar, at codon 364 of the ANLN protein (p.Thr364Ile). This variant is present in population databases (rs746180775, gnomAD 0.007%). This variant has not been reported in the literature in individuals affected with ANLN-related conditions. ClinVar contains an entry for this variant (Variation ID: 1520354). Invitae Evidence Modeling of protein sequence and biophysical properties (such as structural, functional, and spatial information, amino acid conservation, physicochemical variation, residue mobility, and thermodynamic stability) indicates that this missense variant is not expected to disrupt ANLN protein function with a negative predictive value of 80%. In summary, the available evidence is currently insufficient to determine the role of this variant in disease. Therefore, it has been classified as a Variant of Uncertain Significance.